The following is an entry in ClinVar:

ClinVar aggregate classification (germline): Pathogenic (1 of 4 stars; one submission).

Conditions:
Dyskeratosis congenita, autosomal recessive 6 (DKCB6). Identifiers: MedGen C4225356, MONDO:0014600, OMIM 616353.
Pulmonary fibrosis and/or bone marrow failure, Telomere-related, 4. Also called: PULMONARY FIBROSIS AND/OR BONE MARROW FAILURE SYNDROME, TELOMERE-RELATED, 4. Identifiers: Orphanet 2032, MedGen C4225347, MONDO:0014612, OMIM 616371.

Submission:

Labcorp Genetics (formerly Invitae), Labcorp
Classification: Pathogenic for Dyskeratosis congenita, autosomal recessive 6; Pulmonary fibrosis and/or bone marrow failure, Telomere-related, 4. Last evaluated: 2022-08-07. Review status: criteria provided, single submitter. Criteria: Invitae Variant Classification Sherloc (09022015). Collection method: clinical testing. Allele origin: germline.
Comment: For these reasons, this variant has been classified as Pathogenic. This variant has not been reported in the literature in individuals affected with PARN-related conditions. This variant is a gross deletion of the genomic region encompassing exon(s) 1-21 of the PARN gene, which includes the initiator codon. This deletion extends beyond the assayed region for this gene and therefore may encompass additional genes. It is expected to result in an absent or disrupted protein product. Loss-of-function variants in PARN are known to be pathogenic (PMID: 9736620, 25848748, 26810774).

Literature cited by the submitters: PubMed 9736620; PubMed 25848748; PubMed 26810774.

NC_000016.9:g.(?_14645858)_(14724045_?)del

Gene: PARN (poly(A)-specific ribonuclease; minus strand). Cytogenetic location: 16p13.12.
Variant type: Deletion.
Identifiers: ClinVar variation 2424489 (VCV002424489.8).